The following is an entry in ClinVar:

ClinVar aggregate classification (germline): Conflicting classifications of pathogenicity. Review status: criteria provided, conflicting classifications (1 of 4 stars). 2 submissions from 2 submitters: Uncertain significance (1); Likely benign (1). Last evaluated 2018-01-13.

Conditions:
Mitochondrial complex IV deficiency, nuclear type 1 (MC4DN1). Also called: COX DEFICIENCY; Mitochondrial complex IV deficiency; Complex 4 mitochondrial respiratory chain deficiency; Deficiency of mitochondrial respiratory chain complex4; Complex IV deficiency. Identifiers: MedGen C5435656, MONDO:0700250, OMIM 220110. Disease mechanism: loss of function.

Allele frequency attached by ClinVar (database versions not stated): ESP Exome Variant Server 0.00231; gnomAD 0.00240 and 0.00261; TOPMed 0.00282; 1000 Genomes Project 0.00359; 1000 Genomes Project 30x 0.00359.
gnomAD v4.1: 743 of 1,600,410 alleles (0.046%); highest among the groups gnomAD compares: African/African-American, 0.86%; 4 homozygotes.

Submissions (2):

Illumina Laboratory Services, Illumina
Classification: Uncertain significance for Mitochondrial complex IV deficiency, nuclear type 1. Last evaluated: 2018-01-13. Review status: criteria provided, single submitter. Criteria: ICSL Variant Classification Criteria 13 December 2019. Collection method: clinical testing. Allele origin: germline.

GeneDx
Classification: Likely benign. Last evaluated: 2016-08-09. Review status: criteria provided, single submitter. Criteria: GeneDx Variant Classification (06012015). Collection method: clinical testing. Allele origin: germline. Affected: yes.
Comment: This variant is considered likely benign or benign based on one or more of the following criteria: it is a conservative change, it occurs at a poorly conserved position in the protein, it is predicted to be benign by multiple in silico algorithms, and/or has population frequency not consistent with disease.

NM_001136193.2(FASTKD2):c.-30T>C

Gene: FASTKD2 (FAST kinase domains 2; plus strand). Cytogenetic location: 2q33.3.
Variant type: single nucleotide variant.
Coding change: c.-30T>C on transcript NM_001136193.2 (MANE Select); 30 bases upstream of the start codon, T replaced by C.
Molecular consequence: 5 prime UTR variant.
Genome position (GRCh38, 1-based): chr2:206,766,664, T>C. VCF-style: chr2-206766664-T-C. GRCh37 (hg19) VCF-style: chr2-207631388-T-C.
Other names: c.-30T>C (NM_001136194.2, NM_014929.4).
Identifiers: ClinVar variation 333798 (VCV000333798.5), dbSNP rs145438423, ClinGen allele CA2074806.